The following is an entry in ClinVar:

ClinVar aggregate classification (germline): Likely pathogenic (1 of 4 stars; one submission).

Conditions:
Primary ciliary dyskinesia 3. Identifiers: Orphanet 244, MedGen C1837618, MONDO:0012085, OMIM 608644.

Submission:

Myriad Genetics, Inc.
Classification: Likely pathogenic for Primary ciliary dyskinesia 3. Last evaluated: 2022-03-17. Review status: criteria provided, single submitter. Criteria: Myriad Women's Health Autosomal Recessive and X-Linked Classification Criteria (2021). Collection method: clinical testing. Allele origin: unknown.
Comment: NM_001369.2(DNAH5):c.9292A>T(R3098*) is expected to be pathogenic in the context of DNAH5-related primary ciliary dyskinesia. This variant is predicted to lead to an abnormal or absent protein product due to the creation of a premature termination codon in DNAH5, a gene where loss-of-function variants are known to be pathogenic. Please note: this variant was assessed in the context of healthy population screening.

NM_001369.3(DNAH5):c.9292A>T (p.Arg3098Ter)

Gene: DNAH5 (dynein axonemal heavy chain 5; minus strand). Cytogenetic location: 5p15.2.
Variant type: single nucleotide variant.
Coding change: c.9292A>T on transcript NM_001369.3 (MANE Select); coding-DNA position 9292, A replaced by T.
Protein change: p.Arg3098Ter; replaces arginine 3098 with a stop codon.
Molecular consequence: nonsense.
Genome position (GRCh38, 1-based): chr5:13,776,520, T>A on the plus strand (A>T on the coding strand, the complement: DNAH5 is on the minus strand). VCF-style: chr5-13776520-T-A. GRCh37 (hg19) VCF-style: chr5-13776629-T-A.
Other names: short protein forms R3098*.
Identifiers: ClinVar variation 1725343 (VCV001725343.2), dbSNP rs2546678822, ClinGen allele CA359208415.